The following is an entry in ClinVar:

ClinVar aggregate classification (germline): Conflicting classifications of pathogenicity. Review status: criteria provided, conflicting classifications (1 of 4 stars). 6 submissions from 6 submitters: Uncertain significance (5); Likely benign (1). Last evaluated 2026-08-14.

Conditions:
Autosomal dominant nonsyndromic hearing loss 13. Identifiers: Orphanet 90635, MedGen C1866095, MONDO:0011159, OMIM 601868.
Fibrochondrogenesis 2 (FBCG2). Identifiers: Orphanet 2021, MedGen C3281128, MONDO:0013795, OMIM 614524.
Otospondylomegaepiphyseal dysplasia, autosomal dominant (OSMEDA). Also called: Pierre Robin syndrome with fetal chondrodysplasia; COL11A2-Related Stickler Syndrome; Stickler syndrome, type 3. Identifiers: Orphanet 166100, Orphanet 3450, MedGen C1848488, MONDO:0008490, OMIM 184840.
Otospondylomegaepiphyseal dysplasia, autosomal recessive (OSMEDB). Also called: Insley-Astley syndrome; CHONDRODYSTROPHY WITH SENSORINEURAL DEAFNESS. Identifiers: Orphanet 1427, MedGen CN034493, MONDO:0044206, OMIM 215150.
Autosomal recessive nonsyndromic hearing loss 53. Identifiers: Orphanet 90636, MedGen C1864746, MONDO:0012333, OMIM 609706.

Allele frequency attached by ClinVar (database versions not stated): gnomAD exomes 0.00004 and 0.00010; ExAC 0.00006; 1000 Genomes Project 30x 0.00016; 1000 Genomes Project 0.00020; gnomAD 0.00023 and 0.00024; TOPMed 0.00028; ESP Exome Variant Server 0.00046.

Submissions (6):

GeneDx
Classification: Uncertain significance. Last evaluated: 2026-08-14. Review status: criteria provided, single submitter. Criteria: GeneDx Variant Classification Process June 2021. Collection method: clinical testing. Allele origin: germline.
Comment: In silico analysis supports that this missense variant has a deleterious effect on protein structure/function; This variant is associated with the following publications: (PMID: 36703223)

Labcorp Genetics (formerly Invitae), Labcorp
Classification: Likely benign. Last evaluated: 2025-12-15. Review status: criteria provided, single submitter. Criteria: Invitae Variant Classification Sherloc (09022015). Collection method: clinical testing. Allele origin: germline.

Fulgent Genetics
Classification: Uncertain significance for Otospondylomegaepiphyseal dysplasia, autosomal dominant; Otospondylomegaepiphyseal dysplasia, autosomal recessive; Autosomal dominant nonsyndromic hearing loss 13; Autosomal recessive nonsyndromic hearing loss 53; Fibrochondrogenesis 2. Last evaluated: 2024-02-21. Review status: criteria provided, single submitter. Criteria: ACMG Guidelines, 2015. Collection method: clinical testing. Allele origin: germline.

Blueprint Genetics
Classification: Uncertain significance. Last evaluated: 2023-02-17. Review status: criteria provided, single submitter. Criteria: ACMG Guidelines, 2015. Collection method: clinical testing. Allele origin: germline.

Dubai Health Genomic Medicine Center, Dubai Health
Classification: Uncertain significance. Last evaluated: 2020-02-25. Review status: criteria provided, single submitter. Criteria: ACMG Guidelines, 2015. Collection method: clinical testing. Allele origin: germline. Affected: yes.
Comment: The p.Arg846Trp in COL11A2 has been reported by one clinical laboratory as a VUS (ClinVar Accession: SCV000342423.4). This variant was also identified in 20/24932 (0.08% 0 homozygotes) in African alleles which is slightly high for an autosomal dominant disorder. Conservation analysis and computational prediction tools suggest an impact to protein function however this information is not predictive enough to confirm pathogenicity. In summary more information is needed to determine the clinical significnace of this variant.

Eurofins Ntd Llc (ga)
Classification: Uncertain significance. Last evaluated: 2016-07-05. Review status: criteria provided, single submitter. Criteria: EGL Classification Definitions 2015. Collection method: clinical testing. Allele origin: germline. Observed: 1 variant allele, 1 heterozygote.

NM_080680.3(COL11A2):c.2536C>T (p.Arg846Trp)

Gene: COL11A2 (collagen type XI alpha 2 chain; minus strand). Cytogenetic location: 6p21.32.
Variant type: single nucleotide variant.
Coding change: c.2536C>T on transcript NM_080680.3 (MANE Select); coding-DNA position 2536, C replaced by T.
Protein change: p.Arg846Trp; replaces arginine 846 with tryptophan.
Molecular consequence: missense variant.
Genome position (GRCh38, 1-based): chr6:33,173,920, G>A on the plus strand (C>T on the coding strand, the complement: COL11A2 is on the minus strand). VCF-style: chr6-33173920-G-A. GRCh37 (hg19) VCF-style: chr6-33141697-G-A.
Other names: c.2215C>T, p.Arg739Trp (NM_080679.3); c.2278C>T, p.Arg760Trp (NM_080681.3); short protein forms R846W, R739W, R760W.
Identifiers: ClinVar variation 288340 (VCV000288340.21), dbSNP rs149071920, ClinGen allele CA3750850.